The following is an entry in ClinVar:

ClinVar aggregate classification (germline): Benign. Review status: criteria provided, multiple submitters, no conflicts (2 of 4 stars). 2 submissions from 2 submitters: Benign (2). Last evaluated 2025-10-01.

Allele frequency attached by ClinVar (database versions not stated): 1000 Genomes Project 0.00280; 1000 Genomes Project 30x 0.00281; TOPMed 0.00769; ExAC 0.00807; gnomAD 0.00857.
gnomAD v4.1: 17,336 of 1,535,600 alleles (1.1%); highest among the groups gnomAD compares: Non-Finnish European, 1.4%; 113 homozygotes.

Submissions (2):

CeGaT Center for Human Genetics Tuebingen
Classification: Benign. Last evaluated: 2025-10-01. Review status: criteria provided, single submitter. Criteria: CeGaT Center For Human Genetics Tuebingen Variant Classification Criteria Version 2. Collection method: clinical testing. Allele origin: germline. Affected: yes. Observed: 4 variant alleles.
Comment: MCM9: BP4, BS1, BS2

Labcorp Genetics (formerly Invitae), Labcorp
Classification: Benign. Last evaluated: 2019-12-31. Review status: criteria provided, single submitter. Criteria: Invitae Variant Classification Sherloc (09022015). Collection method: clinical testing. Allele origin: germline.

NM_017696.3(MCM9):c.1974G>T (p.Gln658His)

Gene: MCM9 (minichromosome maintenance 9 homologous recombination repair factor; minus strand). Cytogenetic location: 6q22.31.
Variant type: single nucleotide variant.
Coding change: c.1974G>T on transcript NM_017696.3 (MANE Select); coding-DNA position 1974, G replaced by T.
Protein change: p.Gln658His; replaces glutamine 658 with histidine.
Molecular consequence: missense variant. On other transcripts: nonsense (4), non-coding transcript variant (1).
Genome position (GRCh38, 1-based): chr6:118,816,282, C>A on the plus strand (G>T on the coding strand, the complement: MCM9 is on the minus strand). VCF-style: chr6-118816282-C-A. GRCh37 (hg19) VCF-style: chr6-119137445-C-A.
Other names: c.1974G>T, p.Gln658His (NM_001378356.1, NM_001378357.1); c.1828G>T, p.Glu610Ter (NM_001378359.1, NM_001378360.1); c.1770G>T, p.Gln590His (NM_001378364.1); c.1702G>T, p.Glu568Ter (NM_001378366.1); c.1630G>T, p.Glu544Ter (NM_001378367.1); short protein forms Q658H, E544*, E568*, E610*, Q590H.
Identifiers: ClinVar variation 771865 (VCV000771865.28), dbSNP rs78791427, ClinGen allele CA3978326.
Genomic context (GRCh38, chr6:118,816,282, plus strand): 5'-TCTCAAGGATCCTGGAGTAGTCTCTACCTCCAATACCCGTGGTTGGGATTGGTGCACACT[C>A]TGATTCTGTAACCTGTAGCAAAGACAAATAAATAAAACATGTCTTGAAGGGAAGAGAATT-3'
Protein context (NP_060166.2, residues 648-668): ELRRLERLQN[Gln658His]SVHQSQPRVL